The following is an entry in ClinVar:

NM_213720.3(CHCHD10):c.261+10_261+11delinsAG

Gene: CHCHD10 (coiled-coil-helix-coiled-coil-helix domain containing 10; minus strand). Cytogenetic location: 22q11.23.
Variant type: Indel.
Coding change: c.261+10_261+11delinsAG on transcript NM_213720.3 (MANE Select); bases 10 to 11 of the intron after coding-DNA position 261, GA replaced by AG.
Molecular consequence: intron variant.
Genome position (GRCh38, 1-based): chr22:23,767,363-23,767,364, TC replaced by CT on the plus strand (GA replaced by AG on the coding strand, the reverse complement: CHCHD10 is on the minus strand). VCF-style: chr22-23767363-TC-CT. GRCh37 (hg19) VCF-style: chr22-24109550-TC-CT.
Other names: c.261+10_261+11delinsAG (NM_001301339.2).
Identifiers: ClinVar variation 2061695 (VCV002061695.5), dbSNP rs2517621695, ClinGen allele CA2580099258.
Genomic context (GRCh38, chr22:23,767,363, plus strand): 5'-GGACACTTGGGCAGCTCCCTGTGTGGCCTCGAGATAATCCTGCCTCAGTTTCTCTTGGAC[TC>CT]GCTGCTCACCTGCTGGACAGCAGGCTGGGAGGGCTCCGAGCTCCCCCCGCTGAAGGCTCC-3'

ClinVar aggregate classification (germline): Conflicting classifications of pathogenicity. Review status: criteria provided, conflicting classifications (1 of 4 stars). 2 submissions from 2 submitters: Uncertain significance (1); Likely benign (1). Last evaluated 2025-08-13.

Conditions:
Lower motor neuron syndrome with late-adult onset (SMAJ). Also called: Late-Onset Spinal Motor Neuronopathy (SMAJ); Spinal muscular atrophy, Jokela type. Identifiers: Orphanet 276435, MedGen C3554398, MONDO:0014025, OMIM 615048.
Frontotemporal dementia and/or amyotrophic lateral sclerosis 2. Also called: FTDALS2. Identifiers: Orphanet 275872, MedGen C4014648, MONDO:0014395, OMIM 615911.
Autosomal dominant mitochondrial myopathy with exercise intolerance (IMMD). Also called: Myopathy, isolated mitochondrial, autosomal dominant. Identifiers: Orphanet 457050, MedGen C4015513, MONDO:0014532, OMIM 616209.

Submissions (2):

Labcorp Genetics (formerly Invitae), Labcorp
Classification: Uncertain significance for Lower motor neuron syndrome with late-adult onset; Frontotemporal dementia and/or amyotrophic lateral sclerosis 2; Autosomal dominant mitochondrial myopathy with exercise intolerance. Last evaluated: 2025-08-13. Review status: criteria provided, single submitter. Criteria: Invitae Variant Classification Sherloc (09022015). Collection method: clinical testing. Allele origin: germline.
Comment: This sequence change falls in intron 2 of the CHCHD10 gene. It does not directly change the encoded amino acid sequence of the CHCHD10 protein. Information on the frequency of this variant in the gnomAD database is not available, as this variant may be reported differently in the database. This variant has not been reported in the literature in individuals affected with CHCHD10-related conditions. ClinVar contains an entry for this variant (Variation ID: 2061695). Experimental studies and prediction algorithms are not available or were not evaluated, and the effect of this variant on mRNA splicing is currently unknown. In summary, the available evidence is currently insufficient to determine the role of this variant in disease. Therefore, it has been classified as a Variant of Uncertain Significance.

Women's Health and Genetics/Laboratory Corporation of America, LabCorp
Classification: Likely benign. Last evaluated: 2023-11-21. Review status: criteria provided, single submitter. Criteria: LabCorp Variant Classification Summary - May 2015. Collection method: clinical testing. Allele origin: germline.
Comment: Variant summary: CHCHD10 c.261+10_261+11delinsAG alters a nucleotide located at a position not widely known to affect splicing. Consensus agreement among computation tools predict no significant impact on normal splicing. However, these predictions have yet to be confirmed by functional studies. The variant was absent in 269274 control chromosomes (gnomAD). The available data on variant occurrences in the general population are insufficient to allow any conclusion about variant significance. To our knowledge, no occurrence of c.261+10_261+11delinsAG in individuals affected with CHCHD10-Related Disorders and no experimental evidence demonstrating its impact on protein function have been reported. One submitter has cited a clinical-significance assessment for this variant to ClinVar after 2014 and has classified the variant as uncertain significance. Based on the evidence outlined above, the variant was classified as likely benign.